The following is an entry in ClinVar:

NM_005188.4(CBL):c.2218del (p.Gln740fs)

Gene: CBL (Cbl proto-oncogene; plus strand). Cytogenetic location: 11q23.3.
Variant type: Deletion.
Coding change: c.2218del on transcript NM_005188.4 (MANE Select); coding-DNA position 2218, one base deleted (C; older notation c.2218delC).
Protein change: p.Gln740fs; shifts the reading frame from glutamine 740.
Molecular consequence: frameshift variant.
Genome position (GRCh38, 1-based): chr11:119,297,448, C deleted; the last of 3 consecutive C bases (chr11:119,297,446-119,297,448); deleting any one gives the same sequence. VCF-style (leftmost placement, unchanged base first): chr11-119297445-TC-T. GRCh37 (hg19) VCF-style: chr11-119168155-TC-T.
Other names: short protein forms Q740fs.
Identifiers: ClinVar variation 4722206 (VCV004722206.1).
Genomic context (GRCh38, chr11:119,297,445, plus strand): 5'-GCATGTGATTGCGACCAGCAGATTGATAGCTGTACGTATGAAGCAATGTATAATATTCAG[TC>T]CCAGGCGCCATCTATCACCGAGAGCAGCACCTTTGGTAAGTTGCCATTCTGCTACTTTAA-3'

ClinVar aggregate classification (germline): Uncertain significance (1 of 4 stars; one submission).

Conditions:
RASopathy. Also called: rasopathies; Noonan spectrum disorder. Identifiers: Orphanet 536391, MedGen C5555857, MONDO:0021060.

Submission:

Labcorp Genetics (formerly Invitae), Labcorp
Classification: Uncertain significance for RASopathy. Last evaluated: 2025-06-27. Review status: criteria provided, single submitter. Criteria: Invitae Variant Classification Sherloc (09022015). Collection method: clinical testing. Allele origin: germline.
Comment: This sequence change creates a premature translational stop signal (p.Gln740Argfs*126) in the CBL gene. While this is not anticipated to result in nonsense mediated decay, it is expected to disrupt the last 167 amino acid(s) of the CBL protein. This variant is not present in population databases (gnomAD no frequency). This variant has not been reported in the literature in individuals affected with CBL-related conditions. Experimental studies and prediction algorithms are not available or were not evaluated, and the functional significance of this variant is currently unknown. In summary, the available evidence is currently insufficient to determine the role of this variant in disease. Therefore, it has been classified as a Variant of Uncertain Significance.